The following is an entry in ClinVar:

NC_000003.12:g.169764852C>A

Genes: TERC (telomerase RNA component; minus strand), LOC110806306 (telomerase RNA component (TERC) promoter; plus strand). Cytogenetic location: 3q26.2.
Variant type: single nucleotide variant.
Genome position: GRCh38 VCF-style: chr3-169764852-C-A. GRCh37 (hg19) VCF-style: chr3-169482640-C-A.
Identifiers: ClinVar variation 934798 (VCV000934798.10), dbSNP rs1200725441, ClinGen allele CA436715407.

ClinVar aggregate classification (germline): Uncertain significance (1 of 4 stars; one submission).

Conditions:
Dyskeratosis congenita, autosomal dominant 1 (DKCA1). Also called: Dyskeratosis congenita Scoggins type. Identifiers: Orphanet 1775, MedGen C4551974, MONDO:0007485, OMIM 127550. Inheritance: Variable.

Submission:

Labcorp Genetics (formerly Invitae), Labcorp
Classification: Uncertain significance for Dyskeratosis congenita, autosomal dominant 1. Last evaluated: 2019-06-05. Review status: criteria provided, single submitter. Criteria: Invitae Variant Classification Sherloc (09022015). Collection method: clinical testing. Allele origin: germline.
Comment: In summary, the available evidence is currently insufficient to determine the role of this variant in disease. Therefore, it has been classified as a Variant of Uncertain Significance. This variant is located within the hypervariable region that is not conserved in the TERC RNA component (PMID: 10721988, 21844345). Functional studies testing the effect of this variant on TERC secondary structure or function have not been reported. This variant has not been reported in the literature in individuals with TERC-related conditions. This variant is not present in population databases (ExAC no frequency). This variant occurs in the TERC gene, which encodes an RNA molecule that does not result in a protein product.

Literature cited by the submitters: PubMed 10721988; PubMed 21844345.